The following is an entry in ClinVar:

NM_003680.4(YARS1):c.726G>C (p.Lys242Asn)

Genes: YARS1 (tyrosyl-tRNA synthetase 1; minus strand), LOC126805688 (BRD4-independent group 4 enhancer GRCh37_chr1:33251929-33253128; plus strand). Cytogenetic location: 1p35.1.
Variant type: single nucleotide variant.
Coding change: c.726G>C on transcript NM_003680.4 (MANE Select); coding-DNA position 726, G replaced by C.
Protein change: p.Lys242Asn; replaces lysine 242 with asparagine.
Molecular consequence: missense variant.
Genome position (GRCh38, 1-based): chr1:32,787,034, C>G on the plus strand (G>C on the coding strand, the complement: YARS1 is on the minus strand). VCF-style: chr1-32787034-C-G. GRCh37 (hg19) VCF-style: chr1-33252635-C-G.
Other names: short protein forms K242N.
Identifiers: ClinVar variation 3766567 (VCV003766567.1).

ClinVar aggregate classification (germline): Uncertain significance (1 of 4 stars; one submission).

gnomAD v4.1: 3 of 1,614,212 alleles (0.00019%); highest among the groups gnomAD compares: Non-Finnish European, 0.00025%; no homozygotes.

Submission:

ARUP Laboratories, Molecular Genetics and Genomics, ARUP Laboratories
Classification: Uncertain significance. Last evaluated: 2024-04-16. Review status: criteria provided, single submitter. Criteria: ARUP Molecular Germline Variant Investigation Process 2024. Collection method: clinical testing. Allele origin: germline.
Comment: The YARS1 c.726G>C; p.Lys242Asn variant, to our knowledge, is not reported in the medical literature or gene specific databases. This variant is also absent from the Genome Aggregation Database (v2.1.1), indicating it is not a common polymorphism. Computational analyses are uncertain whether this variant is neutral or deleterious (REVEL: 0.249). Due to limited information, the clinical significance of this variant is uncertain at this time.